The following is an entry in ClinVar:

NM_000238.4(KCNH2):c.497A>T (p.Lys166Met)

Gene: KCNH2 (potassium voltage-gated channel subfamily H member 2; minus strand). Cytogenetic location: 7q36.1.
Variant type: single nucleotide variant.
Coding change: c.497A>T on transcript NM_000238.4 (MANE Select); coding-DNA position 497, A replaced by T.
Protein change: p.Lys166Met; replaces lysine 166 with methionine.
Molecular consequence: missense variant.
Genome position (GRCh38, 1-based): chr7:150,958,478, T>A on the plus strand (A>T on the coding strand, the complement: KCNH2 is on the minus strand). VCF-style: chr7-150958478-T-A. GRCh37 (hg19) VCF-style: chr7-150655566-T-A.
Other names: c.209A>T, p.Lys70Met (NM_001406753.1, NM_001406756.1); c.320A>T, p.Lys107Met (NM_001406755.1); c.197A>T, p.Lys66Met (NM_001406757.1); c.497A>T, p.Lys166Met (NM_172056.3); short protein forms K166M, K70M, K107M, K66M.
Identifiers: ClinVar variation 2155624 (VCV002155624.5), dbSNP rs2486095092, ClinGen allele CA369863526.
Genomic context (GRCh38, chr7:150,958,478, plus strand): 5'-CCCGCGCCGCCCGACCGCACCGACGACTCCCGGGCCGTCAGCGCCAGCAGCGCGGGCAGC[T>A]TCAGGCGGAAGGTCTTGGCGCGGCCTGCGGGAGAGGAGAGGCACGTGGTCGTGGGGATCG-3'
Protein context (NP_000229.1, residues 156-176): APGRAKTFRL[Lys166Met]LPALLALTAR

ClinVar aggregate classification (germline): Uncertain significance. Review status: criteria provided, multiple submitters, no conflicts (2 of 4 stars). 2 submissions from 2 submitters: Uncertain significance (2). Last evaluated 2024-01-03.

Conditions:
Cardiovascular phenotype. Identifiers: MedGen CN230736.
Long QT syndrome (LQTS). Identifiers: MedGen C0023976, MeSH D008133, MONDO:0002442. Disease mechanism: loss of function. Inheritance: Various modes of inheritance.

Submissions (2):

Ambry Genetics
Classification: Uncertain significance for Cardiovascular phenotype. Last evaluated: 2024-01-03. Review status: criteria provided, single submitter. Criteria: Ambry Variant Classification Scheme 2023. Collection method: clinical testing. Allele origin: germline.
Comment: The p.K166M variant (also known as c.497A>T), located in coding exon 4 of the KCNH2 gene, results from an A to T substitution at nucleotide position 497. The lysine at codon 166 is replaced by methionine, an amino acid with similar properties. This amino acid position is well conserved in available vertebrate species. In addition, the in silico prediction for this alteration is inconclusive. Since supporting evidence is limited at this time, the clinical significance of this alteration remains unclear.

Labcorp Genetics (formerly Invitae), Labcorp
Classification: Uncertain significance for Long QT syndrome. Last evaluated: 2022-04-28. Review status: criteria provided, single submitter. Criteria: Invitae Variant Classification Sherloc (09022015). Collection method: clinical testing. Allele origin: germline.
Comment: In summary, the available evidence is currently insufficient to determine the role of this variant in disease. Therefore, it has been classified as a Variant of Uncertain Significance. Algorithms developed to predict the effect of missense changes on protein structure and function (SIFT, PolyPhen-2, Align-GVGD) all suggest that this variant is likely to be tolerated. This variant has not been reported in the literature in individuals affected with KCNH2-related conditions. This variant is not present in population databases (gnomAD no frequency). This sequence change replaces lysine, which is basic and polar, with methionine, which is neutral and non-polar, at codon 166 of the KCNH2 protein (p.Lys166Met).